The following is an entry in ClinVar:

NM_005051.3(QARS1):c.14_35del (p.Asp5fs)

Genes: QARS1 (glutaminyl-tRNA synthetase 1; minus strand), LOC129936736 (ATAC-STARR-seq lymphoblastoid active region 19853; plus strand). Cytogenetic location: 3p21.31.
Variant type: Deletion.
Coding change: c.14_35del on transcript NM_005051.3 (MANE Select); coding-DNA positions 14 to 35, 22 bases deleted (ACTCCCTGTCGCTCTTCACTAG).
Protein change: p.Asp5fs; shifts the reading frame from aspartic acid 5.
Molecular consequence: frameshift variant. On other transcripts: non-coding transcript variant (1).
Genome position (GRCh38, 1-based): chr3:49,104,699-49,104,720, CTAGTGAAGAGCGACAGGGAGT deleted on the plus strand (ACTCCCTGTCGCTCTTCACTAG on the coding strand, the reverse complement: QARS1 is on the minus strand); deleting any 22 consecutive bases within chr3:49,104,699-49,104,724 gives the same sequence; the c. name uses the placement nearest the transcript's 3' end. VCF-style (leftmost placement, unchanged base first): chr3-49104698-GCTAGTGAAGAGCGACAGGGAGT-G. GRCh37 (hg19) VCF-style: chr3-49142131-GCTAGTGAAGAGCGACAGGGAGT-G.
Other names: c.14_35del, p.Asp5fs (NM_001272073.2); short protein forms D5fs.
Identifiers: ClinVar variation 4724352 (VCV004724352.1).

ClinVar aggregate classification (germline): Pathogenic (1 of 4 stars; one submission).

Conditions:
Diffuse cerebral and cerebellar atrophy - intractable seizures - progressive microcephaly syndrome. Also called: Microcephaly, progressive, with seizures and cerebral and cerebellar atrophy. Identifiers: Orphanet 404437, MedGen C4014239, MONDO:0014335, OMIM 615760.

Submission:

Labcorp Genetics (formerly Invitae), Labcorp
Classification: Pathogenic for Diffuse cerebral and cerebellar atrophy - intractable seizures - progressive microcephaly syndrome. Last evaluated: 2025-07-30. Review status: criteria provided, single submitter. Criteria: Invitae Variant Classification Sherloc (09022015). Collection method: clinical testing. Allele origin: germline.
Comment: This sequence change creates a premature translational stop signal (p.Asp5Alafs*4) in the QARS gene. It is expected to result in an absent or disrupted protein product. Loss-of-function variants in QARS are known to be pathogenic (PMID: 24656866, 25471517). This variant is not present in population databases (gnomAD no frequency). This variant has not been reported in the literature in individuals affected with QARS-related conditions. For these reasons, this variant has been classified as Pathogenic.

Literature cited by the submitters: PubMed 24656866; PubMed 25471517.